The following is an entry in ClinVar:

ClinVar aggregate classification (germline): Uncertain significance (1 of 4 stars; one submission).

Conditions:
Gorlin syndrome. Also called: Basal cell nevus syndrome; Nevoid Basal Cell Carcinoma Syndrome. Identifiers: Orphanet 377, MedGen C0004779, MONDO:0007187.

Allele frequency attached by ClinVar (database versions not stated): ExAC 0.00001; gnomAD exomes 0.00001; TOPMed 0.00001; gnomAD 0.00002 and 0.00003; 1000 Genomes Project 30x 0.00016; 1000 Genomes Project 0.00020.
gnomAD v4.1: 30 of 1,613,368 alleles (0.0019%); highest among the groups gnomAD compares: Non-Finnish European, 0.0023%; no homozygotes.

Submission:

Labcorp Genetics (formerly Invitae), Labcorp
Classification: Uncertain significance for Gorlin syndrome. Last evaluated: 2025-07-27. Review status: criteria provided, single submitter. Criteria: Invitae Variant Classification Sherloc (09022015). Collection method: clinical testing. Allele origin: germline.
Comment: This sequence change replaces arginine, which is basic and polar, with cysteine, which is neutral and slightly polar, at codon 497 of the PTCH2 protein (p.Arg497Cys). The frequency data for this variant in the population databases is considered unreliable, as metrics indicate poor data quality at this position in the gnomAD database. This variant has not been reported in the literature in individuals affected with PTCH2-related conditions. ClinVar contains an entry for this variant (Variation ID: 453923). Invitae Evidence Modeling of protein sequence and biophysical properties (such as structural, functional, and spatial information, amino acid conservation, physicochemical variation, residue mobility, and thermodynamic stability) has been performed for this missense variant. However, the output from this modeling did not meet the statistical confidence thresholds required to predict the impact of this variant on PTCH2 protein function. In summary, the available evidence is currently insufficient to determine the role of this variant in disease. Therefore, it has been classified as a Variant of Uncertain Significance.

NM_003738.5(PTCH2):c.1489C>T (p.Arg497Cys)

Gene: PTCH2 (patched 2; minus strand). Cytogenetic location: 1p34.1.
Variant type: single nucleotide variant.
Coding change: c.1489C>T on transcript NM_003738.5 (MANE Select); coding-DNA position 1489, C replaced by T.
Protein change: p.Arg497Cys; replaces arginine 497 with cysteine.
Molecular consequence: missense variant.
Genome position (GRCh38, 1-based): chr1:44,828,607, G>A on the plus strand (C>T on the coding strand, the complement: PTCH2 is on the minus strand). VCF-style: chr1-44828607-G-A. GRCh37 (hg19) VCF-style: chr1-45294279-G-A.
Other names: c.1489C>T, p.Arg497Cys (NM_001166292.2); short protein forms R497C.
Identifiers: ClinVar variation 453923 (VCV000453923.9), dbSNP rs200815526, ClinGen allele CA823290.